The following is an entry in ClinVar:

NM_001211.6(BUB1B):c.730C>T (p.Arg244Cys)

Gene: BUB1B (BUB1 mitotic checkpoint serine/threonine kinase B; plus strand). Cytogenetic location: 15q15.1.
Variant type: single nucleotide variant.
Coding change: c.730C>T on transcript NM_001211.6 (MANE Select); coding-DNA position 730, C replaced by T.
Protein change: p.Arg244Cys; replaces arginine 244 with cysteine.
Molecular consequence: missense variant.
Genome position (GRCh38, 1-based): chr15:40,183,862, C>T. VCF-style: chr15-40183862-C-T. GRCh37 (hg19) VCF-style: chr15-40476063-C-T.
Other names: c.730C>T (NM_001211.5); short protein forms R244C.
Identifiers: ClinVar variation 1389806 (VCV001389806.7), dbSNP rs867444045, ClinGen allele CA268782702.

ClinVar aggregate classification (germline): Uncertain significance. Review status: criteria provided, multiple submitters, no conflicts (2 of 4 stars). 2 submissions from 2 submitters: Uncertain significance (2). Last evaluated 2024-10-13.

Conditions:
Inborn genetic diseases. Identifiers: MedGen C0950123, MeSH D030342.
Mosaic variegated aneuploidy syndrome 1 (MVA1). Also called: Warburton-Anyane-Yeboa syndrome. Identifiers: Orphanet 1052, MedGen C1850343, MONDO:0009759, OMIM 257300.

Allele frequency attached by ClinVar (database versions not stated): gnomAD exomes 0.00001; TOPMed 0.00001; gnomAD 0.00002 and 0.00003.
gnomAD v4.1: 12 of 1,613,928 alleles (0.00074%); highest among the groups gnomAD compares: African/African-American, 0.0067%; no homozygotes.

Submissions (2):

Labcorp Genetics (formerly Invitae), Labcorp
Classification: Uncertain significance for Mosaic variegated aneuploidy syndrome 1. Last evaluated: 2024-10-13. Review status: criteria provided, single submitter. Criteria: Invitae Variant Classification Sherloc (09022015). Collection method: clinical testing. Allele origin: germline.
Comment: This sequence change replaces arginine, which is basic and polar, with cysteine, which is neutral and slightly polar, at codon 244 of the BUB1B protein (p.Arg244Cys). This variant is present in population databases (no rsID available, gnomAD 0.008%). This variant has not been reported in the literature in individuals affected with BUB1B-related conditions. ClinVar contains an entry for this variant (Variation ID: 1389806). An algorithm developed to predict the effect of missense changes on protein structure and function (PolyPhen-2) suggests that this variant is likely to be disruptive. In summary, the available evidence is currently insufficient to determine the role of this variant in disease. Therefore, it has been classified as a Variant of Uncertain Significance.

Ambry Genetics
Classification: Uncertain significance for Inborn genetic diseases. Last evaluated: 2023-02-20. Review status: criteria provided, single submitter. Criteria: Ambry Variant Classification Scheme 2023. Collection method: clinical testing. Allele origin: germline.
Comment: The p.R244C variant (also known as c.730C>T), located in coding exon 6 of the BUB1B gene, results from a C to T substitution at nucleotide position 730. The arginine at codon 244 is replaced by cysteine, an amino acid with highly dissimilar properties. This amino acid position is conserved. In addition, the in silico prediction for this alteration is inconclusive. Since supporting evidence is limited at this time, the clinical significance of this alteration remains unclear.